The following is an entry in ClinVar:

NM_001077365.2(POMT1):c.743T>C (p.Leu248Pro)

Gene: POMT1 (protein O-mannosyltransferase 1; plus strand). Cytogenetic location: 9q34.13.
Variant type: single nucleotide variant.
Coding change: c.743T>C on transcript NM_001077365.2 (MANE Select); coding-DNA position 743, T replaced by C.
Protein change: p.Leu248Pro; replaces leucine 248 with proline.
Molecular consequence: missense variant. On other transcripts: synonymous variant (1), 5 prime UTR variant (1), non-coding transcript variant (10).
Genome position (GRCh38, 1-based): chr9:131,510,303, T>C. VCF-style: chr9-131510303-T-C. GRCh37 (hg19) VCF-style: chr9-134385690-T-C.
Other names: c.647T>C, p.Leu216Pro (NM_001353197.2, NM_001353198.2); c.458T>C, p.Leu153Pro (NM_001353199.2); c.287T>C, p.Leu96Pro (NM_001353200.2); c.726T>C, p.Ala242= (NM_001374689.1); c.743T>C, p.Leu248Pro (NM_001374690.1, NM_001136113.2); c.392T>C, p.Leu131Pro (NM_001374691.1, NM_001374692.1, NM_001136114.2 and 1 more transcripts); c.581T>C, p.Leu194Pro (NM_001374693.1, NM_001077366.2, NM_001353194.2); c.353T>C, p.Leu118Pro (NM_001374695.1); and 3 more; short protein forms L118P, L131P, L153P, L194P, L216P, L218P, L248P, L270P.
Identifiers: ClinVar variation 3900702 (VCV003900702.1).

ClinVar aggregate classification (germline): Uncertain significance (1 of 4 stars; one submission).

Conditions:
Muscular dystrophy-dystroglycanopathy (congenital with brain and eye anomalies), type A1 (MDDGA1). Also called: Hydrocephalus, agyria and retinal dysplasia; Hard +/- E syndrome; Warburg syndrome; Chemke syndrome; Pagon syndrome; Cerebroocular dysgenesis. Identifiers: Orphanet 588, Orphanet 899, MedGen C4284790, MONDO:0009364, OMIM 236670.

Submission:

MVZ Medizinische Genetik Mainz
Classification: Uncertain significance for Muscular dystrophy-dystroglycanopathy (congenital with brain and eye anomalies), type A1. Last evaluated: 2025-05-21. Review status: criteria provided, single submitter. Criteria: UK Practice Guidelines For Variant Classification V4 01 2020. Collection method: clinical testing. Allele origin: germline. Inheritance: Autosomal recessive inheritance. Affected: yes. Observed: 1 variant allele.
Comment: ACMG Criteria: PP3_MOD,PM2_SUP